The following is an entry in ClinVar:

ClinVar aggregate classification (germline): Uncertain significance. Review status: criteria provided, multiple submitters, no conflicts (2 of 4 stars). 2 submissions from 2 submitters: Uncertain significance (2). Last evaluated 2024-09-04.

Conditions:
Hereditary cancer-predisposing syndrome. Also called: Tumor predisposition; Hereditary Cancer Syndrome; Neoplastic Syndromes, Hereditary; Hereditary neoplastic syndrome. Identifiers: Orphanet 140162, MedGen C0027672, MeSH D009386, MONDO:0015356.
Familial adenomatous polyposis 1 (FAP1). Also called: POLYPOSIS, ADENOMATOUS INTESTINAL; FAMILIAL ADENOMATOUS POLYPOSIS 1, ATTENUATED. Identifiers: MedGen C2713442, MONDO:0021056, OMIM 175100. Disease mechanism: loss of function.

Allele frequency attached by ClinVar (database versions not stated): gnomAD exomes below 0.00001.
gnomAD v4.1: 1 of 1,613,120 alleles (0.000062%); highest among the groups gnomAD compares: East Asian, 0.0022%; no homozygotes.

Submissions (2):

Ambry Genetics
Classification: Uncertain significance for Hereditary cancer-predisposing syndrome. Last evaluated: 2024-09-04. Review status: criteria provided, single submitter. Criteria: Ambry Variant Classification Scheme 2023. Collection method: clinical testing. Allele origin: germline.
Comment: The p.S2137C variant (also known as c.6410C>G), located in coding exon 15 of the APC gene, results from a C to G substitution at nucleotide position 6410. The serine at codon 2137 is replaced by cysteine, an amino acid with dissimilar properties. This amino acid position is highly conserved in available vertebrate species. In addition, in silico predictors for this gene do not accurately predict pathogenicity. Missense alterations in APC are not a common cause of disease (Spier I et al. Genet Med. 2024 Feb;26(2):100992). Based on the available evidence, the clinical significance of this variant remains unclear.

Labcorp Genetics (formerly Invitae), Labcorp
Classification: Uncertain significance for Familial adenomatous polyposis 1. Last evaluated: 2022-03-21. Review status: criteria provided, single submitter. Criteria: Invitae Variant Classification Sherloc (09022015). Collection method: clinical testing. Allele origin: germline.
Comment: This sequence change replaces serine, which is neutral and polar, with cysteine, which is neutral and slightly polar, at codon 2137 of the APC protein (p.Ser2137Cys). This variant is not present in population databases (gnomAD no frequency). This variant has not been reported in the literature in individuals affected with APC-related conditions. Algorithms developed to predict the effect of missense changes on protein structure and function (SIFT, PolyPhen-2, Align-GVGD) all suggest that this variant is likely to be disruptive. In summary, the available evidence is currently insufficient to determine the role of this variant in disease. Therefore, it has been classified as a Variant of Uncertain Significance.

NM_000038.6(APC):c.6410C>G (p.Ser2137Cys)

Gene: APC (APC regulator of Wnt signaling pathway; plus strand). Cytogenetic location: 5q22.2.
Variant type: single nucleotide variant.
Coding change: c.6410C>G on transcript NM_000038.6 (MANE Select); coding-DNA position 6410, C replaced by G.
Protein change: p.Ser2137Cys; replaces serine 2137 with cysteine.
Molecular consequence: missense variant.
Genome position (GRCh38, 1-based): chr5:112,842,004, C>G. VCF-style: chr5-112842004-C-G. GRCh37 (hg19) VCF-style: chr5-112177701-C-G.
Other names: c.6410C>G (NM_000038.5); c.6410C>G, p.Ser2137Cys (NM_001127510.3, NM_001354895.2, NM_001407450.1); c.6356C>G, p.Ser2119Cys (NM_001127511.3); c.6464C>G, p.Ser2155Cys (NM_001354896.2, NM_001407447.1, NM_001407448.1 and 1 more transcripts); c.6440C>G, p.Ser2147Cys (NM_001354897.2); c.6335C>G, p.Ser2112Cys (NM_001354898.2); c.6326C>G, p.Ser2109Cys (NM_001354899.2); c.6287C>G, p.Ser2096Cys (NM_001354900.2); and 12 more; short protein forms S2096C, S2109C, S2112C, S2127C, S2155C, S2165C, S1753C, S1854C.
Identifiers: ClinVar variation 2055617 (VCV002055617.5), dbSNP rs1554087411, ClinGen allele CA16035365.